The following is an entry in ClinVar:

NM_006393.3(NEBL):c.791C>T (p.Ala264Val)

Gene: NEBL (nebulette; minus strand). Cytogenetic location: 10p12.31.
Variant type: single nucleotide variant.
Coding change: c.791C>T on transcript NM_006393.3 (MANE Select); coding-DNA position 791, C replaced by T.
Protein change: p.Ala264Val; replaces alanine 264 with valine.
Molecular consequence: missense variant. On other transcripts: intron variant (9).
Genome position (GRCh38, 1-based): chr10:20,859,720, G>A on the plus strand (C>T on the coding strand, the complement: NEBL is on the minus strand). VCF-style: chr10-20859720-G-A. GRCh37 (hg19) VCF-style: chr10-21148649-G-A.
Other names: c.250-46780C>T (NM_001377326.1, NM_001377327.1, NM_001377328.1); c.358-46780C>T (NM_213569.2, NM_001173484.2, NM_001377322.1); c.301-46780C>T (NM_001377324.1); c.292-46780C>T (NM_001377325.1); c.310-46780C>T (NM_001377323.1); short protein forms A264V.
Identifiers: ClinVar variation 520230 (VCV000520230.6), dbSNP rs548922223, ClinGen allele CA5433115.

ClinVar aggregate classification (germline): Uncertain significance. Review status: criteria provided, multiple submitters, no conflicts (2 of 4 stars). 2 submissions from 2 submitters: Uncertain significance (2). Last evaluated 2025-07-07.

Conditions:
Primary dilated cardiomyopathy (DCM). Also called: Dilated Cardiomyopathy. Identifiers: Orphanet 217604, MedGen C0007193, MeSH D002311, MONDO:0005021, HP:0001644. Inheritance: Various modes of inheritance.
Cardiovascular phenotype. Identifiers: MedGen CN230736.

Allele frequency attached by ClinVar (database versions not stated): ExAC 0.00002; 1000 Genomes Project 30x 0.00016; 1000 Genomes Project 0.00020.
gnomAD v4.1: 23 of 1,577,300 alleles (0.0015%); highest among the groups gnomAD compares: East Asian, 0.0045%; no homozygotes.

Submissions (2):

Labcorp Genetics (formerly Invitae), Labcorp
Classification: Uncertain significance for Primary dilated cardiomyopathy. Last evaluated: 2025-07-07. Review status: criteria provided, single submitter. Criteria: Invitae Variant Classification Sherloc (09022015). Collection method: clinical testing. Allele origin: germline.
Comment: This sequence change replaces alanine, which is neutral and non-polar, with valine, which is neutral and non-polar, at codon 264 of the NEBL protein (p.Ala264Val). This variant is present in population databases (rs548922223, gnomAD 0.003%). This variant has not been reported in the literature in individuals affected with NEBL-related conditions. ClinVar contains an entry for this variant (Variation ID: 520230). An algorithm developed to predict the effect of missense changes on protein structure and function outputs the following: PolyPhen-2: "Benign". The valine amino acid residue is found in multiple mammalian species, which suggests that this missense change does not adversely affect protein function. Algorithms developed to predict the effect of sequence changes on RNA splicing suggest that this variant may create or strengthen a splice site. In summary, the available evidence is currently insufficient to determine the role of this variant in disease. Therefore, it has been classified as a Variant of Uncertain Significance.

Ambry Genetics
Classification: Uncertain significance for Cardiovascular phenotype. Last evaluated: 2013-02-08. Review status: criteria provided, single submitter. Criteria: Ambry Autosomal Dominant and X-Linked criteria (10/2015). Collection method: clinical testing. Allele origin: germline. Observed: 1 variant allele.
Comment: There is insufficient or conflicting evidence for classification of this alteration.